The following is an entry in ClinVar:

NM_005324.5(H3-3B):c.*1676G>A

Gene: H3-3B (H3.3 histone B; minus strand). Cytogenetic location: 17q25.1.
Variant type: single nucleotide variant.
Coding change: c.*1676G>A on transcript NM_005324.5 (MANE Select); 1676 bases downstream of the stop codon, G replaced by A.
Molecular consequence: 3 prime UTR variant.
Genome position (GRCh38, 1-based): chr17:75,776,919, C>T on the plus strand (G>A on the coding strand, the complement: H3-3B is on the minus strand). VCF-style: chr17-75776919-C-T. GRCh37 (hg19) VCF-style: chr17-73773000-C-T.
Identifiers: ClinVar variation 1227956 (VCV001227956.4), dbSNP rs1060120, ClinGen allele CA14387365.

ClinVar aggregate classification (germline): Benign. Review status: criteria provided, multiple submitters, no conflicts (2 of 4 stars). 2 submissions from 2 submitters: Benign (2). Last evaluated 2018-07-13.

Allele frequency attached by ClinVar (database versions not stated): gnomAD exomes 0.50000; TOPMed 0.67112; 1000 Genomes Project 0.67552; 1000 Genomes Project 30x 0.68082.

Submissions (2):

GeneDx
Classification: Benign. Last evaluated: 2018-07-13. Review status: criteria provided, single submitter. Criteria: GeneDx Variant Classification Process June 2021. Collection method: clinical testing. Allele origin: germline. Affected: yes.
Comment: This variant is associated with the following publications: (PMID: 29529098)

Breakthrough Genomics
Classification: Benign. Review status: criteria provided, single submitter. Criteria: ACMG Guidelines, 2015. Collection method: not provided. Allele origin: germline. Inheritance: Autosomal dominant inheritance. Affected: yes.